The following is an entry in ClinVar:

ClinVar aggregate classification (germline): Uncertain significance. Review status: criteria provided, multiple submitters, no conflicts (2 of 4 stars). 2 submissions from 2 submitters: Uncertain significance (2). Last evaluated 2025-08-30.

Conditions:
Hereditary cancer-predisposing syndrome. Also called: Neoplastic Syndromes, Hereditary; Tumor predisposition; Hereditary neoplastic syndrome; Hereditary Cancer Syndrome. Identifiers: Orphanet 140162, MedGen C0027672, MeSH D009386, MONDO:0015356.
Multiple endocrine neoplasia type 4. Also called: MULTIPLE ENDOCRINE NEOPLASIA, TYPE IV. Identifiers: Orphanet 276152, MedGen C1970712, MONDO:0012552, OMIM 610755.

Allele frequency attached by ClinVar (database versions not stated): TOPMed below 0.00001; gnomAD 0.00001; gnomAD exomes 0.00001.
gnomAD v4.1: 5 of 1,604,018 alleles (0.00031%); highest among the groups gnomAD compares: African/African-American, 0.0027%; no homozygotes.

Submissions (2):

Labcorp Genetics (formerly Invitae), Labcorp
Classification: Uncertain significance for Multiple endocrine neoplasia type 4. Last evaluated: 2025-08-30. Review status: criteria provided, single submitter. Criteria: Invitae Variant Classification Sherloc (09022015). Collection method: clinical testing. Allele origin: germline.
Comment: This sequence change replaces arginine, which is basic and polar, with lysine, which is basic and polar, at codon 152 of the CDKN1B protein (p.Arg152Lys). This variant is not present in population databases (gnomAD no frequency). This variant has not been reported in the literature in individuals affected with CDKN1B-related conditions. ClinVar contains an entry for this variant (Variation ID: 239623). An algorithm developed to predict the effect of missense changes on protein structure and function (PolyPhen-2) suggests that this variant is likely to be disruptive. In summary, the available evidence is currently insufficient to determine the role of this variant in disease. Therefore, it has been classified as a Variant of Uncertain Significance.

Ambry Genetics
Classification: Uncertain significance for Hereditary cancer-predisposing syndrome. Last evaluated: 2023-03-17. Review status: criteria provided, single submitter. Criteria: Ambry Variant Classification Scheme 2023. Collection method: clinical testing. Allele origin: germline.
Comment: The p.R152K variant (also known as c.455G>A), located in coding exon 1 of the CDKN1B gene, results from a G to A substitution at nucleotide position 455. The arginine at codon 152 is replaced by lysine, an amino acid with highly similar properties. This amino acid position is conserved. In addition, the in silico prediction for this alteration is inconclusive. Since supporting evidence is limited at this time, the clinical significance of this alteration remains unclear.

NM_004064.5(CDKN1B):c.455G>A (p.Arg152Lys)

Gene: CDKN1B (cyclin dependent kinase inhibitor 1B; plus strand). Cytogenetic location: 12p13.1.
Variant type: single nucleotide variant.
Coding change: c.455G>A on transcript NM_004064.5 (MANE Select); coding-DNA position 455, G replaced by A.
Protein change: p.Arg152Lys; replaces arginine 152 with lysine.
Molecular consequence: missense variant.
Genome position (GRCh38, 1-based): chr12:12,718,294, G>A. VCF-style: chr12-12718294-G-A. GRCh37 (hg19) VCF-style: chr12-12871228-G-A.
Other names: c.455G>A (NM_004064.3); short protein forms R152K.
Identifiers: ClinVar variation 239623 (VCV000239623.10), dbSNP rs878854623, ClinGen allele CA10582963.